The following is an entry in ClinVar:

NM_002435.3(MPI):c.727C>T (p.Gln243Ter)

Gene: MPI (mannose phosphate isomerase; plus strand). Cytogenetic location: 15q24.1.
Variant type: single nucleotide variant.
Coding change: c.727C>T on transcript NM_002435.3 (MANE Select); coding-DNA position 727, C replaced by T.
Protein change: p.Gln243Ter; replaces glutamine 243 with a stop codon.
Molecular consequence: nonsense.
Genome position (GRCh38, 1-based): chr15:74,896,208, C>T. VCF-style: chr15-74896208-C-T. GRCh37 (hg19) VCF-style: chr15-75188549-C-T.
Other names: c.727C>T, p.Gln243Ter (NM_001289155.2); c.577C>T, p.Gln193Ter (NM_001289156.2); c.544C>T, p.Gln182Ter (NM_001289157.2); c.667C>T, p.Gln223Ter (NM_001330372.2); short protein forms Q243*, Q182*, Q223*, Q193*.
Identifiers: ClinVar variation 370615 (VCV000370615.8), dbSNP rs749911553, ClinGen allele CA7662530.

ClinVar aggregate classification (germline): Pathogenic/Likely pathogenic. Review status: criteria provided, multiple submitters, no conflicts (2 of 4 stars). 4 submissions from 4 submitters: Pathogenic (1); Likely pathogenic (2). 1 of the submissions does not count toward it. Last evaluated 2024-03-12.

Conditions:
MPI-congenital disorder of glycosylation. Also called: CONGENITAL DISORDER OF GLYCOSYLATION, TYPE Ib; MANNOSEPHOSPHATE ISOMERASE DEFICIENCY; MPI-CDG; PROTEIN-LOSING ENTEROPATHY-HEPATIC FIBROSIS SYNDROME; MPI DEFICIENCY; CDG Ib. Identifiers: Orphanet 79319, MedGen C1865145, MONDO:0011257, OMIM 602579.

Allele frequency attached by ClinVar (database versions not stated): gnomAD exomes below 0.00001; ExAC 0.00001.

Submissions (4):

Fulgent Genetics
Classification: Likely pathogenic for MPI-congenital disorder of glycosylation. Last evaluated: 2024-03-12. Review status: criteria provided, single submitter. Criteria: ACMG Guidelines, 2015. Collection method: clinical testing. Allele origin: germline.

Baylor Genetics
Classification: Likely pathogenic for MPI-congenital disorder of glycosylation. Last evaluated: 2024-01-05. Review status: criteria provided, single submitter. Criteria: ACMG Guidelines, 2015. Collection method: clinical testing. Allele origin: unknown.

Labcorp Genetics (formerly Invitae), Labcorp
Classification: Pathogenic for MPI-congenital disorder of glycosylation. Last evaluated: 2023-01-15. Review status: criteria provided, single submitter. Criteria: Invitae Variant Classification Sherloc (09022015). Collection method: clinical testing. Allele origin: germline.
Comment: For these reasons, this variant has been classified as Pathogenic. ClinVar contains an entry for this variant (Variation ID: 370615). This variant has not been reported in the literature in individuals affected with MPI-related conditions. This variant is present in population databases (rs749911553, gnomAD 0.003%). This sequence change creates a premature translational stop signal (p.Gln243*) in the MPI gene. It is expected to result in an absent or disrupted protein product. Loss-of-function variants in MPI are known to be pathogenic (PMID: 19862844).

Counsyl
Classification: Likely pathogenic for MPI-congenital disorder of glycosylation. Last evaluated: 2016-03-09. Review status: no assertion criteria provided. Collection method: clinical testing. Allele origin: unknown. Not counted in ClinVar's aggregate classification.

Literature cited by the submitters: PubMed 19862844 (cited by Labcorp Genetics (formerly Invitae), Labcorp).